The following is an entry in ClinVar:

ClinVar aggregate classification (germline): Uncertain significance (1 of 4 stars; one submission).

Submission:

Dasa
Classification: Uncertain significance. Last evaluated: 2025-07-05. Review status: criteria provided, single submitter. Criteria: DASA Assertion Criteria. Collection method: clinical testing. Allele origin: germline.
Comment: NM_001257180.2(SLC20A2):c.152C>T (p.Ala51Val) is a missense variant that results in the substitution of alanine with valine. This variant has been reported in individuals with SLC20A2-related disorders (PMID: 24463626). Also, this variant is absent from population databases. Computational prediction algorithms are consistent with a deleterious effect. The currently available literature and clinical evidence are not sufficient to establish a definitive association between this variant and the reported condition. Therefore, this variant is classified as a variant of uncertain significance.

Literature cited by the submitters: PubMed 24463626.

NM_001257180.2(SLC20A2):c.152C>T (p.Ala51Val)

Gene: SLC20A2 (solute carrier family 20 member 2; minus strand). Cytogenetic location: 8p11.21.
Variant type: single nucleotide variant.
Coding change: c.152C>T on transcript NM_001257180.2 (MANE Select); coding-DNA position 152, C replaced by T.
Protein change: p.Ala51Val; replaces alanine 51 with valine.
Molecular consequence: missense variant.
Genome position (GRCh38, 1-based): chr8:42,472,239, G>A on the plus strand (C>T on the coding strand, the complement: SLC20A2 is on the minus strand). VCF-style: chr8-42472239-G-A. GRCh37 (hg19) VCF-style: chr8-42329757-G-A.
Other names: c.152C>T, p.Ala51Val (NM_001257181.2, NM_006749.5); short protein forms A51V.
Identifiers: ClinVar variation 4885064 (VCV004885064.2).